The following is an entry in ClinVar:

ClinVar aggregate classification (germline): Conflicting classifications of pathogenicity. Review status: criteria provided, conflicting classifications (1 of 4 stars). 3 submissions from 3 submitters: Uncertain significance (1); Likely benign (2). Last evaluated 2026-08-01.

Conditions:
Very long chain acyl-CoA dehydrogenase deficiency (ACADVLD). Also called: VLCAD Deficiency; Very Long-Chain Acyl-Coenzyme A Dehydrogenase Deficiency. Identifiers: Orphanet 26793, MedGen C3887523, MONDO:0008723, OMIM 201475.

Allele frequency attached by ClinVar (database versions not stated): gnomAD 0.00001; ExAC 0.00002; ESP Exome Variant Server 0.00008; gnomAD exomes 0.00003 and 0.00002; TOPMed 0.00003.
gnomAD v4.1: 40 of 1,604,580 alleles (0.0025%); highest among the groups gnomAD compares: Non-Finnish European, 0.0033%; no homozygotes.

Submissions (3):

CeGaT Center for Human Genetics Tuebingen
Classification: Likely benign. Last evaluated: 2026-08-01. Review status: criteria provided, single submitter. Criteria: CeGaT Center For Human Genetics Tuebingen Variant Classification Criteria Version 2. Collection method: clinical testing. Allele origin: germline. Affected: yes. Observed: 2 variant alleles.
Comment: ACADVL: BP4, BP7

Labcorp Genetics (formerly Invitae), Labcorp
Classification: Likely benign for Very long chain acyl-CoA dehydrogenase deficiency. Last evaluated: 2025-10-26. Review status: criteria provided, single submitter. Criteria: Invitae Variant Classification Sherloc (09022015). Collection method: clinical testing. Allele origin: germline.

Illumina Laboratory Services, Illumina
Classification: Uncertain significance for Very long chain acyl-CoA dehydrogenase deficiency. Last evaluated: 2018-01-13. Review status: criteria provided, single submitter. Criteria: ICSL Variant Classification Criteria 13 December 2019. Collection method: clinical testing. Allele origin: germline.

NM_000018.4(ACADVL):c.51C>T (p.Leu17=)

Genes: ACADVL (acyl-CoA dehydrogenase very long chain; plus strand), DLG4 (discs large MAGUK scaffold protein 4; minus strand). Cytogenetic location: 17p13.1.
Variant type: single nucleotide variant.
Coding change: c.51C>T on transcript NM_000018.4 (MANE Select); coding-DNA position 51, C replaced by T.
Protein change: p.Leu17=; no amino-acid change (leucine 17 retained).
Molecular consequence: synonymous variant. On other transcripts: 5 prime UTR variant (2), non-coding transcript variant (1), intron variant (1).
Genome position (GRCh38, 1-based): chr17:7,220,035, C>T. VCF-style: chr17-7220035-C-T. GRCh37 (hg19) VCF-style: chr17-7123354-C-T.
Other names: c.-1186G>A (NM_001321074.1); c.51C>T, p.Leu17= (NM_001033859.3); c.-253C>T (NM_001270448.2); c.132-87C>T (NM_001270447.2).
Identifiers: ClinVar variation 891273 (VCV000891273.18), dbSNP rs376733533, ClinGen allele CA8337515.